The following is an entry in ClinVar:

NM_001009944.3(PKD1):c.7915C>T (p.Arg2639Ter)

Gene: PKD1 (polycystin 1, transient receptor potential channel interacting; minus strand). Cytogenetic location: 16p13.3.
Variant type: single nucleotide variant.
Coding change: c.7915C>T on transcript NM_001009944.3 (MANE Select); coding-DNA position 7915, C replaced by T.
Protein change: p.Arg2639Ter; replaces arginine 2639 with a stop codon.
Molecular consequence: nonsense.
Genome position (GRCh38, 1-based): chr16:2,105,423, G>A on the plus strand (C>T on the coding strand, the complement: PKD1 is on the minus strand). VCF-style: chr16-2105423-G-A. GRCh37 (hg19) VCF-style: chr16-2155424-G-A.
Other names: p.Arg2639*; c.7915C>T, p.Arg2639Ter (NM_000296.4); c.7915C>T (NM_000296.3); short protein forms R2639*.
Identifiers: ClinVar variation 636809 (VCV000636809.20), dbSNP rs750913623, ClinGen allele CA394366167.
Genomic context (GRCh38, chr16:2,105,423, plus strand): 5'-CCACAGTGTGGACCCTCAGGGACACCAGAGTCTCCGTGATGTTCTTGCGTATCTGGGCTC[G>A]GTGCTGCCGCTCGTGCTTGGGCTCTGCCGCCACGTCCAGGGCCCGCTCGTACTGGGGCAG-3'

ClinVar aggregate classification (germline): Pathogenic. Review status: criteria provided, multiple submitters, no conflicts (2 of 4 stars). 12 submissions from 12 submitters: Pathogenic (12). Last evaluated 2025-09-10.

Conditions:
Polycystic kidney disease, adult type (PKD1). Also called: Polycystic Kidney, Autosomal Dominant; Polycystic Kidney Disease 1, Autosomal Dominant; Polycystic kidney disease 1; Polycystic kidney disease 1, severe; POLYCYSTIC KIDNEY DISEASE, ADULT, TYPE I; POLYCYSTIC KIDNEY DISEASE 1 WITH OR WITHOUT POLYCYSTIC LIVER DISEASE. Identifiers: MedGen C3149841, MONDO:0008263, OMIM 173900.
Inborn genetic diseases. Identifiers: MedGen C0950123, MeSH D030342.
PKD1-related disorder. Also called: PKD1-related condition.

Submissions (12):

Genomic Medicine Center of Excellence, King Faisal Specialist Hospital and Research Centre
Classification: Pathogenic for Polycystic kidney disease, adult type. Last evaluated: 2025-09-10. Review status: criteria provided, single submitter. Criteria: ACMG Guidelines, 2015. Collection method: clinical testing. Allele origin: germline.

PreventionGenetics, part of Exact Sciences
Classification: Pathogenic for PKD1-related condition. Last evaluated: 2025-07-30. Review status: criteria provided, single submitter. Criteria: ACMG Guidelines, 2015. Collection method: clinical testing. Allele origin: germline.
Comment: The PKD1 c.7915C>T variant is predicted to result in premature protein termination (p.Arg2639*). This variant has been reported in multiple patients with autosomal dominant polycystic kidney disease (Perrichot et al. 2000. PubMed ID: 10854095; Table 1, He et al. 2018. PubMed ID: 30333007; Table S3, Ottlewski et al. 2019. PubMed ID: 31027891; Table S6A, Kim et al. 2019. PubMed ID: 31740684; Table S1, Nielsen et al. 2021. PubMed ID: 33639313; Table S4, Eisenberger et al. 2015. PubMed ID: 25646624). This variant has not been reported in a large population database (gnomAD), indicating this variant is rare. Nonsense variants in PKD1 are expected to be pathogenic. This variant is interpreted as pathogenic.

Women's Health and Genetics/Laboratory Corporation of America, LabCorp
Classification: Pathogenic for Polycystic kidney disease, adult type. Last evaluated: 2025-05-01. Review status: criteria provided, single submitter. Criteria: LabCorp Variant Classification Summary - May 2015. Collection method: clinical testing. Allele origin: germline.
Comment: Variant summary: PKD1 c.7915C>T (p.Arg2639X) results in a premature termination codon, predicted to cause a truncation of the encoded protein or absence of the protein due to nonsense mediated decay, which are commonly known mechanisms for disease. The variant was absent in 231058 control chromosomes. c.7915C>T has been observed in individual(s) affected with Polycystic Kidney Disease 1 (e.g. Xu_2024). The following publication has been ascertained in the context of this evaluation (PMID: 38527221). ClinVar contains an entry for this variant (Variation ID: 636809). Based on the evidence outlined above, the variant was classified as pathogenic.

Ambry Genetics
Classification: Pathogenic for Inborn genetic diseases. Last evaluated: 2024-08-09. Review status: criteria provided, single submitter. Criteria: Ambry Variant Classification Scheme 2023. Collection method: clinical testing. Allele origin: germline.
Comment: The c.7915C>T (p.R2639*) alteration, located in exon 21 (coding exon 21) of the PKD1 gene, consists of a C to T substitution at nucleotide position 7915. This changes the amino acid from a arginine (R) to a stop codon at amino acid position 2639. This alteration is expected to result in loss of function by premature protein truncation or nonsense-mediated mRNA decay. This variant was not reported in population-based cohorts in the Genome Aggregation Database (gnomAD). This variant was reported in multiple individuals who either had a clinical diagnosis or met clinical criteria for autosomal dominant polycystic kidney disease (ADPKD) (Liu, 2015; He, 2018; Kim, 2019). Based on the available evidence, this alteration is classified as pathogenic.

Mayo Clinic Laboratories, Mayo Clinic
Classification: Pathogenic. Last evaluated: 2024-02-27. Review status: criteria provided, single submitter. Criteria: ACMG Guidelines, 2015. Collection method: clinical testing. Allele origin: germline. Observed: 4 variant alleles.
Comment: PM2, PS4, PVS1

GeneDx
Classification: Pathogenic. Last evaluated: 2023-12-28. Review status: criteria provided, single submitter. Criteria: GeneDx Variant Classification Process June 2021. Collection method: clinical testing. Allele origin: germline. Affected: yes.
Comment: Nonsense variant predicted to result in protein truncation or nonsense mediated decay in a gene for which loss-of-function is a known mechanism of disease; Not observed at significant frequency in large population cohorts (gnomAD); This variant is associated with the following publications: (PMID: 31027891, 25525159, 17582161, 31740684, 33639313, 30333007, 34716216, 22508176, 34739738, 35697147, 36938073, 10854095)

Fulgent Genetics
Classification: Pathogenic for Polycystic kidney disease, adult type. Last evaluated: 2023-12-27. Review status: criteria provided, single submitter. Criteria: ACMG Guidelines, 2015. Collection method: clinical testing. Allele origin: germline.

Department of Pathology and Laboratory Medicine, Sinai Health System
Classification: Pathogenic for Polycystic kidney disease, adult type. Last evaluated: 2023-04-18. Review status: criteria provided, single submitter. Criteria: ACMG Guidelines, 2015. Collection method: clinical testing. Allele origin: germline. Affected: yes.

Greenwood Genetic Center Diagnostic Laboratories, Greenwood Genetic Center
Classification: Pathogenic. Last evaluated: 2020-10-20. Review status: criteria provided, single submitter. Criteria: ACMG Guidelines, 2015. Collection method: clinical testing. Allele origin: germline. Affected: yes.

Arkana Molecular Diagnostic Laboratory, Arkana Laboratories
Classification: Pathogenic for Polycystic kidney disease, adult type. Last evaluated: 2020-03-23. Review status: criteria provided, single submitter. Criteria: ACMG Guidelines, 2015. Collection method: clinical testing. Allele origin: inherited. Affected: yes. Observed: 1 variant allele.
Comment: NGS of Sage-HLS-CAPTURE enriched PKD1 with Sanger sequencing confirmation; GRCh38.

Blueprint Genetics
Classification: Pathogenic for PKD1-related disorders. Last evaluated: 2020-02-19. Review status: criteria provided, single submitter. Criteria: ACMG Guidelines, 2015. Collection method: clinical testing. Allele origin: germline. Affected: yes. Observed: 2 variant alleles.

Juno Genomics, Hangzhou Juno Genomics, Inc
Classification: Pathogenic for Polycystic kidney disease, adult type. Review status: criteria provided, single submitter. Criteria: ACMG Guidelines, 2015. Collection method: clinical testing. Allele origin: germline. Affected: yes.
Comment: Absent from controls (or at extremely low frequency if recessive) in Genome Aggregation Database, Exome Sequencing Project, 1000 Genomes Project, or Exome Aggregation Consortium.;Null variant in a gene where loss of function (LOF) is a known mechanism of disease.;The prevalence of the variant in affected individuals is significantly increased compared to the prevalence in controls.;Patient's phenotype or family history is highly specific for a disease with a single genetic etiology.

Literature cited by the submitters: PubMed 38527221 (cited by Women's Health and Genetics/Laboratory Corporation of America, LabCorp); PubMed 26274329 (cited by Ambry Genetics); PubMed 30333007 (cited by Ambry Genetics and Mayo Clinic Laboratories, Mayo Clinic); PubMed 31740684 (cited by Ambry Genetics and Mayo Clinic Laboratories, Mayo Clinic); PubMed 10854095 (cited by Mayo Clinic Laboratories, Mayo Clinic); PubMed 31027891 (cited by Mayo Clinic Laboratories, Mayo Clinic); PubMed 33639313 (cited by Mayo Clinic Laboratories, Mayo Clinic); PubMed 34739738 (cited by Mayo Clinic Laboratories, Mayo Clinic); PubMed 36938073 (cited by Mayo Clinic Laboratories, Mayo Clinic).